The following is an entry in ClinVar:

ClinVar aggregate classification (germline): Benign. Review status: criteria provided, multiple submitters, no conflicts (2 of 4 stars). 15 submissions from 12 submitters: Benign (13). 2 of the submissions do not count toward it. Last evaluated 2026-02-04.

Conditions:
Diabetes mellitus, permanent neonatal 3. Also called: ABCC8-Related Permanent Neonatal Diabetes Mellitus. Identifiers: MedGen C5394303, MONDO:0030088, OMIM 618857.
Hereditary hyperinsulinism.
Diabetes mellitus, transient neonatal, 2 (TNDM2). Identifiers: Orphanet 99886, MedGen C1835887, MONDO:0012480, OMIM 610374. Disease mechanism: loss of function.
Leucine-induced hypoglycemia (LIH). Also called: LEUCINE-SENSITIVE HYPOGLYCEMIA OF INFANCY. Identifiers: MedGen C0271714, MONDO:0009415, OMIM 240800.
Hyperinsulinemic hypoglycemia, familial, 1 (HHF1). Also called: Persistent hyperinsulinemic hypoglycemia of infancy; HYPERINSULINISM, FAMILIAL, WITH PANCREATIC NESIDIOBLASTOSIS; HYPOGLYCEMIA, HYPERINSULINEMIC, OF INFANCY; NESIDIOBLASTOSIS OF PANCREAS; Persistent Hyperinsulinemia Hypoglycemia of Infancy. Identifiers: Orphanet 276575, Orphanet 276598, MedGen C2931832, MONDO:0009734, OMIM 256450.
Type 2 diabetes mellitus. Also called: Type II diabetes mellitus. Identifiers: MedGen C0011860, MeSH D003924, MONDO:0005148, OMIM 125853, HP:0005978.

Allele frequency attached by ClinVar (database versions not stated): gnomAD exomes 0.27790 and 0.29150; ExAC 0.29623; gnomAD 0.38879 and 0.39734; 1000 Genomes Project 0.39097; 1000 Genomes Project 30x 0.40896; ESP Exome Variant Server 0.40967; TOPMed 0.41699.
gnomAD v4.1: 465,794 of 1,613,552 alleles (29%); highest among the groups gnomAD compares: African/African-American, 71%; 76,946 homozygotes.

Submissions (15):

Labcorp Genetics (formerly Invitae), Labcorp
Classification: Benign. Last evaluated: 2026-02-04. Review status: criteria provided, single submitter. Criteria: Invitae Variant Classification Sherloc (09022015). Collection method: clinical testing. Allele origin: germline.

Mayo Clinic Laboratories, Mayo Clinic
Classification: Benign. Last evaluated: 2025-04-14. Review status: criteria provided, single submitter. Criteria: ACMG Guidelines, 2015. Collection method: clinical testing. Allele origin: germline. Observed: 1 variant allele.
Comment: BA1, BP4_moderate

Blueprint Genetics
Classification: Benign. Last evaluated: 2024-11-27. Review status: criteria provided, single submitter. Criteria: ACMG Guidelines, 2015. Collection method: clinical testing. Allele origin: germline.

Pars Genome Lab
Classification: Benign for Leucine-induced hypoglycemia. Last evaluated: 2021-07-01. Review status: criteria provided, single submitter. Criteria: ACMG Guidelines, 2015. Collection method: clinical testing. Allele origin: germline. Affected: no.

Pars Genome Lab
Classification: Benign for Hyperinsulinemic hypoglycemia, familial, 1. Last evaluated: 2021-07-01. Review status: criteria provided, single submitter. Criteria: ACMG Guidelines, 2015. Collection method: clinical testing. Allele origin: germline. Affected: no.

Pars Genome Lab
Classification: Benign for Diabetes mellitus, transient neonatal, 2. Last evaluated: 2021-07-01. Review status: criteria provided, single submitter. Criteria: ACMG Guidelines, 2015. Collection method: clinical testing. Allele origin: germline. Affected: no.

Pars Genome Lab
Classification: Benign for Diabetes mellitus, permanent neonatal 3. Last evaluated: 2021-07-01. Review status: criteria provided, single submitter. Criteria: ACMG Guidelines, 2015. Collection method: clinical testing. Allele origin: germline. Affected: no.

GeneDx
Classification: Benign. Last evaluated: 2018-08-09. Review status: criteria provided, single submitter. Criteria: GeneDx Variant Classification Process June 2021. Collection method: clinical testing. Allele origin: germline. Affected: yes.
Comment: This variant is associated with the following publications: (PMID: 9799081, 22533711, 10857971, 18758683)

Athena Diagnostics
Classification: Benign for Hyperinsulinemic hypoglycemia, familial, 1. Last evaluated: 2017-04-12. Review status: criteria provided, single submitter. Criteria: Athena Diagnostics Criteria. Collection method: clinical testing. Allele origin: germline.

Eurofins Ntd Llc (ga)
Classification: Benign. Last evaluated: 2014-11-19. Review status: criteria provided, single submitter. Criteria: EGL Classification Definitions 2015. Collection method: clinical testing. Allele origin: germline. Observed: 1 variant allele, 1 heterozygote.

Breakthrough Genomics
Classification: Benign. Review status: criteria provided, single submitter. Criteria: ACMG Guidelines, 2015. Collection method: not provided. Allele origin: germline. Inheritance: Autosomal recessive inheritance. Affected: yes.

Clinical Genomics, Uppaluri K&H Personalized Medicine Clinic
Classification: Benign for Type 2 diabetes mellitus. Review status: criteria provided, single submitter. Criteria: K&H Uppaluri Personalized Medicine Clinic Variant Classification & Assertion Criteria. Collection method: research. Allele origin: somatic. Inheritance: Autosomal dominant inheritance. Affected: yes.
Comment: Mutations in ABCC8 gene are associated with both neonatal diabetes mellitus as well as MODY. rs1799859 of ABCC8 gene is associated with Hb1Ac levels and its genotype might impact the Sulfonylurea treatment reponse.

PreventionGenetics, part of Exact Sciences
Classification: Benign. Review status: criteria provided, single submitter. Criteria: ACMG Guidelines, 2015. Collection method: clinical testing. Allele origin: germline.

Natera, Inc.
Classification: Benign for Hereditary hyperinsulinism. Last evaluated: 2020-09-16. Review status: no assertion criteria provided. Collection method: clinical testing. Allele origin: germline. Not counted in ClinVar's aggregate classification.

Genetic Services Laboratory, University of Chicago
Classification: Likely benign. Review status: no assertion criteria provided. Collection method: clinical testing. Allele origin: germline. Inheritance: Autosomal unknown. Not counted in ClinVar's aggregate classification.
Comment: Likely benign based on allele frequency in 1000 Genomes Project or ESP global frequency and its presence in a patient with a rare or unrelated disease phenotype. NOT Sanger confirmed

Literature cited by the submitters: PubMed 28587604 (cited by Clinical Genomics, Uppaluri K&H Personalized Medicine Clinic); PubMed 22533711 (cited by Clinical Genomics, Uppaluri K&H Personalized Medicine Clinic); PubMed 19766903 (cited by Clinical Genomics, Uppaluri K&H Personalized Medicine Clinic); PubMed 30515958 (cited by Clinical Genomics, Uppaluri K&H Personalized Medicine Clinic).

NM_000352.6(ABCC8):c.3819G>A (p.Arg1273=)

Gene: ABCC8 (ATP binding cassette subfamily C member 8; minus strand). Cytogenetic location: 11p15.1.
Variant type: single nucleotide variant.
Coding change: c.3819G>A on transcript NM_000352.6 (MANE Select); coding-DNA position 3819, G replaced by A.
Protein change: p.Arg1273=; no amino-acid change (arginine 1273 retained).
Molecular consequence: synonymous variant. On other transcripts: non-coding transcript variant (1).
Genome position (GRCh38, 1-based): chr11:17,397,732, C>T on the plus strand (G>A on the coding strand, the complement: ABCC8 is on the minus strand). VCF-style: chr11-17397732-C-T. GRCh37 (hg19) VCF-style: chr11-17419279-C-T.
Other names: p.Arg1273=; c.3822G>A, p.Arg1274= (NM_001287174.3); c.3885G>A, p.Arg1295= (NM_001351295.2); c.3819G>A, p.Arg1273= (NM_001351296.2); c.3816G>A, p.Arg1272= (NM_001351297.2).
Identifiers: ClinVar variation 157698 (VCV000157698.31), dbSNP rs1799859, ClinGen allele CA171074.